The following is an entry in ClinVar:

ClinVar aggregate classification (germline): Uncertain significance (1 of 4 stars; one submission).

Allele frequency attached by ClinVar (database versions not stated): gnomAD exomes below 0.00001.
gnomAD v4.1: 2 of 1,609,346 alleles (0.00012%); highest among the groups gnomAD compares: Non-Finnish European, 0.00017%; no homozygotes.

Submission:

Labcorp Genetics (formerly Invitae), Labcorp
Classification: Uncertain significance. Last evaluated: 2022-09-13. Review status: criteria provided, single submitter. Criteria: Invitae Variant Classification Sherloc (09022015). Collection method: clinical testing. Allele origin: germline.
Comment: In summary, the available evidence is currently insufficient to determine the role of this variant in disease. Therefore, it has been classified as a Variant of Uncertain Significance. Advanced modeling of protein sequence and biophysical properties (such as structural, functional, and spatial information, amino acid conservation, physicochemical variation, residue mobility, and thermodynamic stability) performed at Invitae indicates that this missense variant is not expected to disrupt FAR1 protein function. This variant has not been reported in the literature in individuals affected with FAR1-related conditions. The frequency data for this variant in the population databases is considered unreliable, as metrics indicate poor data quality at this position in the gnomAD database. This sequence change replaces isoleucine, which is neutral and non-polar, with valine, which is neutral and non-polar, at codon 163 of the FAR1 protein (p.Ile163Val).

NM_032228.6(FAR1):c.487A>G (p.Ile163Val)

Gene: FAR1 (fatty acyl-CoA reductase 1; plus strand). Cytogenetic location: 11p15.3.
Variant type: single nucleotide variant.
Coding change: c.487A>G on transcript NM_032228.6 (MANE Select); coding-DNA position 487, A replaced by G.
Protein change: p.Ile163Val; replaces isoleucine 163 with valine.
Molecular consequence: missense variant.
Genome position (GRCh38, 1-based): chr11:13,708,021, A>G. VCF-style: chr11-13708021-A-G. GRCh37 (hg19) VCF-style: chr11-13729568-A-G.
Other names: short protein forms I163V.
Identifiers: ClinVar variation 1719304 (VCV001719304.5), dbSNP rs1251953308, ClinGen allele CA379857000.